The following is an entry in ClinVar:

ClinVar aggregate classification (germline): Uncertain significance (1 of 4 stars; one submission).

Conditions:
Fanconi anemia complementation group J. Also called: BRIP1-Related Fanconi Anemia. Identifiers: Orphanet 84, MedGen C1836860, MONDO:0012187, OMIM 609054.
Familial cancer of breast. Also called: hereditary breast carcinoma; Hereditary breast cancer; BREAST CANCER, FAMILIAL. Identifiers: Orphanet 227535, MedGen C0346153, MONDO:0016419, OMIM 114480. Disease mechanism: loss of function.

Allele frequency attached by ClinVar (database versions not stated): TOPMed below 0.00001; gnomAD 0.00001.
gnomAD v4.1: 1 of 1,614,044 alleles (0.000062%); highest among the groups gnomAD compares: East Asian, 0.0022%; no homozygotes.

Submission:

Labcorp Genetics (formerly Invitae), Labcorp
Classification: Uncertain significance for Familial cancer of breast; Fanconi anemia complementation group J. Last evaluated: 2021-01-27. Review status: criteria provided, single submitter. Criteria: Invitae Variant Classification Sherloc (09022015). Collection method: clinical testing. Allele origin: germline.
Comment: In summary, the available evidence is currently insufficient to determine the role of this variant in disease. Therefore, it has been classified as a Variant of Uncertain Significance. Algorithms developed to predict the effect of missense changes on protein structure and function are either unavailable or do not agree on the potential impact of this missense change (SIFT: "Tolerated"; PolyPhen-2: "Possibly Damaging"; Align-GVGD: "Class C0"). This variant has not been reported in the literature in individuals with BRIP1-related conditions. This variant is not present in population databases (ExAC no frequency). This sequence change replaces histidine with arginine at codon 107 of the BRIP1 protein (p.His107Arg). The histidine residue is weakly conserved and there is a small physicochemical difference between histidine and arginine.

NM_032043.3(BRIP1):c.320A>G (p.His107Arg)

Gene: BRIP1 (BRCA1 interacting DNA helicase 1; minus strand). Cytogenetic location: 17q23.2.
Variant type: single nucleotide variant.
Coding change: c.320A>G on transcript NM_032043.3 (MANE Select); coding-DNA position 320, A replaced by G.
Protein change: p.His107Arg; replaces histidine 107 with arginine.
Molecular consequence: missense variant.
Genome position (GRCh38, 1-based): chr17:61,857,117, T>C on the plus strand (A>G on the coding strand, the complement: BRIP1 is on the minus strand). VCF-style: chr17-61857117-T-C. GRCh37 (hg19) VCF-style: chr17-59934478-T-C.
Other names: short protein forms H107R.
Identifiers: ClinVar variation 1504955 (VCV001504955.9), dbSNP rs876659809, ClinGen allele CA400485380.
Genomic context (GRCh38, chr17:61,857,117, plus strand): 5'-CCTTGACAAGTTGATGAAGTGCCATTTCTTTCAGAAGGTGGTGTGCTTGGATAGTTGAAA[T>C]GACGTGAAGTTCCTTGGTTCATGTCATTGTTTGTAAAATCCTTTGAATGGCATGCACAAC-3'
Protein context (NP_114432.2, residues 97-117): NNDMNQGTSR[His107Arg]FNYPSTPPSE